The following is an entry in ClinVar:

NM_014714.4(IFT140):c.584T>C (p.Leu195Pro)

Genes: IFT140 (intraflagellar transport 140; minus strand), LOC105371046 (uncharacterized LOC105371046; plus strand). Cytogenetic location: 16p13.3.
Variant type: single nucleotide variant.
Coding change: c.584T>C on transcript NM_014714.4 (MANE Select); coding-DNA position 584, T replaced by C.
Protein change: p.Leu195Pro; replaces leucine 195 with proline.
Molecular consequence: missense variant.
Genome position (GRCh38, 1-based): chr16:1,592,226, A>G on the plus strand (T>C on the coding strand, the complement: IFT140 is on the minus strand). VCF-style: chr16-1592226-A-G. GRCh37 (hg19) VCF-style: chr16-1642227-A-G.
Other names: short protein forms L195P.
Identifiers: ClinVar variation 1372932 (VCV001372932.5), dbSNP rs764851284, ClinGen allele CA7814653.

ClinVar aggregate classification (germline): Uncertain significance. Review status: criteria provided, multiple submitters, no conflicts (2 of 4 stars). 3 submissions from 3 submitters: Uncertain significance (2). 1 of the submissions does not count toward it. Last evaluated 2024-10-16.

Conditions:
Saldino-Mainzer syndrome (SRTD9). Also called: CONORENAL SYNDROME; short-rib thoracic dysplasia 9 with or without polydactyly; SHORT-RIB THORACIC DYSPLASIA 9 WITHOUT POLYDACTYLY; Renal dysplasia, retinal pigmentary dystrophy, cerebellar ataxia and skeletal dysplasia. Identifiers: Orphanet 140969, MedGen C1849437, MONDO:0009964, OMIM 266920.
Retinal dystrophy. Also called: Inherited retinal dystrophy. Identifiers: Orphanet 71862, MedGen C0854723, MeSH D058499, MONDO:0019118, HP:0000556.

Allele frequency attached by ClinVar (database versions not stated): gnomAD exomes below 0.00001; ExAC 0.00001.
gnomAD v4.1: 6 of 1,614,208 alleles (0.00037%); highest among the groups gnomAD compares: Middle Eastern, 0.033%; no homozygotes.

Submissions (3):

Blueprint Genetics
Classification: Uncertain significance. Last evaluated: 2024-10-16. Review status: criteria provided, single submitter. Criteria: ACMG Guidelines, 2015. Collection method: clinical testing. Allele origin: germline.

Labcorp Genetics (formerly Invitae), Labcorp
Classification: Uncertain significance for Saldino-Mainzer syndrome. Last evaluated: 2022-09-06. Review status: criteria provided, single submitter. Criteria: Invitae Variant Classification Sherloc (09022015). Collection method: clinical testing. Allele origin: germline.
Comment: This sequence change replaces leucine, which is neutral and non-polar, with proline, which is neutral and non-polar, at codon 195 of the IFT140 protein (p.Leu195Pro). This variant is present in population databases (rs764851284, gnomAD 0.007%). This variant has not been reported in the literature in individuals affected with IFT140-related conditions. ClinVar contains an entry for this variant (Variation ID: 1372932). Algorithms developed to predict the effect of missense changes on protein structure and function output the following: SIFT: "Tolerated"; PolyPhen-2: "Benign"; Align-GVGD: "Class C0". The proline amino acid residue is found in multiple mammalian species, which suggests that this missense change does not adversely affect protein function. In summary, the available evidence is currently insufficient to determine the role of this variant in disease. Therefore, it has been classified as a Variant of Uncertain Significance.

Institute of Human Genetics, Univ. Regensburg, Univ. Regensburg
Classification: Uncertain significance for Retinal dystrophy. Last evaluated: 2022-01-01. Review status: no assertion criteria provided. Criteria: ACMG Guidelines, 2015. Collection method: clinical testing. Allele origin: germline. Affected: yes. Not counted in ClinVar's aggregate classification.